The following is an entry in ClinVar:

ClinVar aggregate classification (germline): Pathogenic (1 of 4 stars; one submission).

Conditions:
Cohen syndrome (COH1). Also called: Cutis verticis gyrata, retinitis pigmentosa, and sensorineural deafness; PEPPER SYNDROME. Identifiers: Orphanet 193, MedGen C0265223, MONDO:0008999, OMIM 216550.

Submission:

Labcorp Genetics (formerly Invitae), Labcorp
Classification: Pathogenic for Cohen syndrome. Last evaluated: 2023-07-26. Review status: criteria provided, single submitter. Criteria: Invitae Variant Classification Sherloc (09022015). Collection method: clinical testing. Allele origin: germline.
Comment: For these reasons, this variant has been classified as Pathogenic. This variant has not been reported in the literature in individuals affected with VPS13B-related conditions. This variant is not present in population databases (gnomAD no frequency). This sequence change creates a premature translational stop signal (p.Cys1174*) in the VPS13B gene. It is expected to result in an absent or disrupted protein product. Loss-of-function variants in VPS13B are known to be pathogenic (PMID: 15141358, 16648375, 20461111).

Literature cited by the submitters: PubMed 15141358; PubMed 16648375; PubMed 20461111.

NM_152564.5(VPS13B):c.3522C>A (p.Cys1174Ter)

Gene: VPS13B (vacuolar protein sorting 13 homolog B; plus strand). Cytogenetic location: 8q22.2.
Variant type: single nucleotide variant.
Coding change: c.3522C>A on transcript NM_152564.5 (MANE Select); coding-DNA position 3522, C replaced by A.
Protein change: p.Cys1174Ter; replaces cysteine 1174 with a stop codon.
Molecular consequence: nonsense.
Genome position (GRCh38, 1-based): chr8:99,467,490, C>A. VCF-style: chr8-99467490-C-A. GRCh37 (hg19) VCF-style: chr8-100479718-C-A.
Other names: c.3522C>A, p.Cys1174Ter (NM_017890.5); short protein forms C1174*.
Identifiers: ClinVar variation 2747113 (VCV002747113.3), dbSNP rs772078846, ClinGen allele CA371866066.